The following is an entry in ClinVar:

ClinVar aggregate classification (germline): Uncertain significance (1 of 4 stars; one submission).

Allele frequency attached by ClinVar (database versions not stated): ExAC 0.00001; gnomAD exomes 0.00001.
gnomAD v4.1: 9 of 1,614,016 alleles (0.00056%); highest among the groups gnomAD compares: Non-Finnish European, 0.00076%; no homozygotes.

Submission:

Labcorp Genetics (formerly Invitae), Labcorp
Classification: Uncertain significance. Last evaluated: 2023-04-09. Review status: criteria provided, single submitter. Criteria: Invitae Variant Classification Sherloc (09022015). Collection method: clinical testing. Allele origin: germline.
Comment: Advanced modeling of protein sequence and biophysical properties (such as structural, functional, and spatial information, amino acid conservation, physicochemical variation, residue mobility, and thermodynamic stability) has been performed at Invitae for this missense variant, however the output from this modeling did not meet the statistical confidence thresholds required to predict the impact of this variant on FGF23 protein function. This missense change has been observed in individual(s) with autosomal recessive tumoral calcinosis (PMID: 24680727). This variant is present in population databases (rs772964687, gnomAD 0.002%). This sequence change replaces phenylalanine, which is neutral and non-polar, with leucine, which is neutral and non-polar, at codon 157 of the FGF23 protein (p.Phe157Leu). In summary, the available evidence is currently insufficient to determine the role of this variant in disease. Therefore, it has been classified as a Variant of Uncertain Significance.

Literature cited by the submitters: PubMed 24680727.

NM_020638.3(FGF23):c.469T>C (p.Phe157Leu)

Gene: FGF23 (fibroblast growth factor 23; minus strand). Cytogenetic location: 12p13.32.
Variant type: single nucleotide variant.
Coding change: c.469T>C on transcript NM_020638.3 (MANE Select); coding-DNA position 469, T replaced by C.
Protein change: p.Phe157Leu; replaces phenylalanine 157 with leucine.
Molecular consequence: missense variant.
Genome position (GRCh38, 1-based): chr12:4,370,630, A>G on the plus strand (T>C on the coding strand, the complement: FGF23 is on the minus strand). VCF-style: chr12-4370630-A-G. GRCh37 (hg19) VCF-style: chr12-4479796-A-G.
Other names: short protein forms F157L.
Identifiers: ClinVar variation 2775762 (VCV002775762.3), dbSNP rs772964687, ClinGen allele CA6395676.
Genomic context (GRCh38, chr12:4,370,630, plus strand): 5'-GCCGCCGTGGTATGGGGGTGTTGAAGTGAATTAGGGGGATCTCGTTCCTCCGGGACAGGA[A>G]CTGGGAGTACGGGGGTGGGTTCATGCCTGGCAGGAAGGCTCTCTTCGCCCGGCCCAGACT-3'
Protein context (NP_065689.1, residues 147-167): PGMNPPPYSQ[Phe157Leu]LSRRNEIPLI